The following is an entry in ClinVar:

NM_025074.7(FRAS1):c.6117dup (p.Tyr2040fs)

Gene: FRAS1 (Fraser extracellular matrix complex subunit 1; plus strand). Cytogenetic location: 4q21.21.
Variant type: Duplication.
Coding change: c.6117dup on transcript NM_025074.7 (MANE Select); coding-DNA position 6117, one base duplicated (G; older notation c.6117dupG).
Protein change: p.Tyr2040fs; shifts the reading frame from tyrosine 2040.
Molecular consequence: frameshift variant.
Genome position (GRCh38, 1-based): chr4:78,448,159, G duplicated; the last of 3 consecutive G bases (chr4:78,448,157-78,448,159); duplicating any one gives the same sequence. VCF-style (leftmost placement, unchanged base first): chr4-78448156-T-TG. GRCh37 (hg19) VCF-style: chr4-79369310-T-TG.
Other names: short protein forms Y2040fs.
Identifiers: ClinVar variation 2993771 (VCV002993771.3), dbSNP rs2477224750, ClinGen allele CA2671142025.

ClinVar aggregate classification (germline): Pathogenic (1 of 4 stars; one submission).

Submission:

Labcorp Genetics (formerly Invitae), Labcorp
Classification: Pathogenic. Last evaluated: 2023-10-13. Review status: criteria provided, single submitter. Criteria: Invitae Variant Classification Sherloc (09022015). Collection method: clinical testing. Allele origin: germline.
Comment: This sequence change creates a premature translational stop signal (p.Tyr2040Valfs*4) in the FRAS1 gene. It is expected to result in an absent or disrupted protein product. Loss-of-function variants in FRAS1 are known to be pathogenic (PMID: 12766769, 18671281). This variant is not present in population databases (gnomAD no frequency). This variant has not been reported in the literature in individuals affected with FRAS1-related conditions. For these reasons, this variant has been classified as Pathogenic.

Literature cited by the submitters: PubMed 12766769; PubMed 18671281.